The following is an entry in ClinVar:

NM_004333.6(BRAF):c.1141-563A>T

Gene: BRAF (B-Raf proto-oncogene, serine/threonine kinase; minus strand). Cytogenetic location: 7q34.
Variant type: single nucleotide variant.
Coding change: c.1141-563A>T on transcript NM_004333.6 (MANE Select); 563 bases into the intron before coding-DNA position 1141, A replaced by T.
Molecular consequence: intron variant.
Genome position (GRCh38, 1-based): chr7:140,788,147, T>A on the plus strand (A>T on the coding strand, the complement: BRAF is on the minus strand). VCF-style: chr7-140788147-T-A. GRCh37 (hg19) VCF-style: chr7-140487947-T-A.
Other names: c.1141-563A>T (NM_001378474.1, NM_001378468.1, NM_001354609.2 and 3 more transcripts); c.1039-563A>T (NM_001378470.1); c.877-563A>T (NM_001378475.1); c.1141-5064A>T (NM_001378471.1); c.1150-563A>T (NM_001378467.1); c.985-563A>T (NM_001378472.1, NM_001378473.1).
Identifiers: ClinVar variation 2658046 (VCV002658046.24), dbSNP rs566361547, ClinGen allele CA168095559.

ClinVar aggregate classification (germline): Likely benign (1 of 4 stars; one submission).

Allele frequency attached by ClinVar (database versions not stated): 1000 Genomes Project 30x 0.00016.
gnomAD v4.1: 87 of 152,154 alleles (0.057%); highest among the groups gnomAD compares: Middle Eastern, 0.34%; no homozygotes.

Submission:

CeGaT Center for Human Genetics Tuebingen
Classification: Likely benign. Last evaluated: 2025-01-01. Review status: criteria provided, single submitter. Criteria: CeGaT Center For Human Genetics Tuebingen Variant Classification Criteria Version 2. Collection method: clinical testing. Allele origin: germline. Affected: yes. Observed: 5 variant alleles.
Comment: BRAF: BS1